The following is an entry in ClinVar:

NC_000002.11:g.(?_69553299)_(69614213_?)del

Gene: GFPT1 (glutamine--fructose-6-phosphate transaminase 1; minus strand). Cytogenetic location: 2p13.3.
Variant type: Deletion.
Identifiers: ClinVar variation 1069341 (VCV001069341.3).

ClinVar aggregate classification (germline): Pathogenic (1 of 4 stars; one submission).

Conditions:
Congenital myasthenic syndrome 12 (CMS12). Also called: MYASTHENIC SYNDROME, CONGENITAL, WITH TUBULAR AGGREGATES 1; Myasthenia, congenital, 12, with tubular aggregates. Identifiers: Orphanet 353327, Orphanet 590, MedGen C3552335, MONDO:0012518, OMIM 610542.

Submission:

Labcorp Genetics (formerly Invitae), Labcorp
Classification: Pathogenic for Congenital myasthenic syndrome 12. Last evaluated: 2022-08-16. Review status: criteria provided, single submitter. Criteria: Invitae Variant Classification Sherloc (09022015). Collection method: clinical testing. Allele origin: germline.
Comment: For these reasons, this variant has been classified as Pathogenic. This variant has not been reported in the literature in individuals affected with GFPT1-related conditions. A gross deletion of the genomic region encompassing the full coding sequence of the GFPT1 gene has been identified. Loss-of-function variants in GFPT1 are known to be pathogenic (PMID: 23794683). The boundaries of this event are unknown as they extend beyond the assayed region for this gene and therefore may encompass additional genes.

Literature cited by the submitters: PubMed 23794683.